The following is an entry in ClinVar:

NM_130384.3(ATRIP):c.2037C>A (p.Asn679Lys)

Genes: ATRIP (ATR interacting protein; plus strand), ATRIP-TREX1 (ATRIP-TREX1 readthrough; plus strand). Cytogenetic location: 3p21.31.
Variant type: single nucleotide variant.
Coding change: c.2037C>A on transcript NM_130384.3 (MANE Select); coding-DNA position 2037, C replaced by A.
Protein change: p.Asn679Lys; replaces asparagine 679 with lysine.
Molecular consequence: missense variant. On other transcripts: non-coding transcript variant (1), intron variant (1).
Genome position (GRCh38, 1-based): chr3:48,464,644, C>A. VCF-style: chr3-48464644-C-A. GRCh37 (hg19) VCF-style: chr3-48506043-C-A.
Other names: c.1656C>A, p.Asn552Lys (NM_001271022.2); c.1758C>A, p.Asn586Lys (NM_001271023.2); c.1975-187C>A (NM_032166.4); short protein forms N679K, N552K, N586K.
Identifiers: ClinVar variation 3976905 (VCV003976905.1).

ClinVar aggregate classification (germline): Uncertain significance (1 of 4 stars; one submission).

Submission:

Ambry Genetics
Classification: Uncertain significance. Last evaluated: 2025-05-29. Review status: criteria provided, single submitter. Criteria: Ambry Variant Classification Scheme 2023. Collection method: clinical testing. Allele origin: germline.
Comment: The p.N679K variant (also known as c.2037C>A), located in coding exon 11 of the ATRIP gene, results from a C to A substitution at nucleotide position 2037. The asparagine at codon 679 is replaced by lysine, an amino acid with similar properties. This amino acid position is conserved. In addition, this alteration is predicted to be tolerated by in silico analysis. Based on the available evidence, the clinical significance of this variant remains unclear.